The following is an entry in ClinVar:

NM_006206.6(PDGFRA):c.49+5G>A

Gene: PDGFRA (platelet derived growth factor receptor alpha; plus strand). Cytogenetic location: 4q12.
Variant type: single nucleotide variant.
Coding change: c.49+5G>A on transcript NM_006206.6 (MANE Select); 5 bases into the intron after coding-DNA position 49, G replaced by A.
Molecular consequence: intron variant.
Genome position (GRCh38, 1-based): chr4:54,258,822, G>A. VCF-style: chr4-54258822-G-A. GRCh37 (hg19) VCF-style: chr4-55124989-G-A.
Other names: c.124+5G>A (NM_001347828.2); c.49+5G>A (NM_001347827.2, NM_001347829.2); c.88+5G>A (NM_001347830.2).
Identifiers: ClinVar variation 459104 (VCV000459104.15), dbSNP rs369607686, ClinGen allele CA2922206.

ClinVar aggregate classification (germline): Conflicting classifications of pathogenicity. Review status: criteria provided, conflicting classifications (1 of 4 stars). 3 submissions from 3 submitters: Uncertain significance (2); Likely benign (1). Last evaluated 2025-12-23.

Conditions:
Gastrointestinal stromal tumor. Also called: Gastrointestinal stroma tumor; Gastrointestinal stromal tumor, somatic. Identifiers: Orphanet 44890, MedGen C0238198, MeSH D046152, MONDO:0011719, OMIM 606764, HP:0100723.
Hereditary cancer-predisposing syndrome. Also called: Tumor predisposition; Hereditary neoplastic syndrome; Neoplastic Syndromes, Hereditary; Hereditary Cancer Syndrome. Identifiers: Orphanet 140162, MedGen C0027672, MeSH D009386, MONDO:0015356.

Allele frequency attached by ClinVar (database versions not stated): TOPMed 0.00001; gnomAD exomes 0.00002; ExAC 0.00003; gnomAD 0.00004; ESP Exome Variant Server 0.00008; 1000 Genomes Project 30x 0.00016; 1000 Genomes Project 0.00020.
gnomAD v4.1: 37 of 1,612,430 alleles (0.0023%); highest among the groups gnomAD compares: African/African-American, 0.0067%; no homozygotes.

Submissions (3):

Labcorp Genetics (formerly Invitae), Labcorp
Classification: Uncertain significance for Gastrointestinal stromal tumor. Last evaluated: 2025-12-23. Review status: criteria provided, single submitter. Criteria: Invitae Variant Classification Sherloc (09022015). Collection method: clinical testing. Allele origin: germline.
Comment: This sequence change falls in intron 2 of the PDGFRA gene. It does not directly change the encoded amino acid sequence of the PDGFRA protein. It affects a nucleotide within the consensus splice site. This variant is present in population databases (rs369607686, gnomAD 0.02%). This variant has not been reported in the literature in individuals affected with PDGFRA-related conditions. ClinVar contains an entry for this variant (Variation ID: 459104). Variants that disrupt the consensus splice site are a relatively common cause of aberrant splicing (PMID: 17576681, 9536098). Algorithms developed to predict the effect of sequence changes on RNA splicing suggest that this variant is not likely to affect RNA splicing. In summary, the available evidence is currently insufficient to determine the role of this variant in disease. Therefore, it has been classified as a Variant of Uncertain Significance.

GeneDx
Classification: Uncertain significance. Last evaluated: 2024-09-12. Review status: criteria provided, single submitter. Criteria: GeneDx Variant Classification Process June 2021. Collection method: clinical testing. Allele origin: germline. Affected: yes.
Comment: In silico analysis indicates that this variant does not alter splicing; Has not been previously published as pathogenic or benign to our knowledge

Ambry Genetics
Classification: Likely benign for Hereditary cancer-predisposing syndrome. Last evaluated: 2024-03-20. Review status: criteria provided, single submitter. Criteria: Ambry Variant Classification Scheme 2023. Collection method: clinical testing. Allele origin: germline.

Literature cited by the submitters: PubMed 17576681 (cited by Labcorp Genetics (formerly Invitae), Labcorp); PubMed 9536098 (cited by Labcorp Genetics (formerly Invitae), Labcorp).